The following is an entry in ClinVar:

NM_000552.5(VWF):c.304G>A (p.Val102Met)

Gene: VWF (von Willebrand factor; minus strand). Cytogenetic location: 12p13.31.
Variant type: single nucleotide variant.
Coding change: c.304G>A on transcript NM_000552.5 (MANE Select); coding-DNA position 304, G replaced by A.
Protein change: p.Val102Met; replaces valine 102 with methionine.
Molecular consequence: missense variant.
Genome position (GRCh38, 1-based): chr12:6,110,885, C>T on the plus strand (G>A on the coding strand, the complement: VWF is on the minus strand). VCF-style: chr12-6110885-C-T. GRCh37 (hg19) VCF-style: chr12-6220051-C-T.
Other names: NM_000552.5(VWF):c.304G>A; p.Val102Met; c.304G>A (NM_000552.4); short protein forms V102M.
Identifiers: ClinVar variation 1191879 (VCV001191879.13), dbSNP rs147514785, ClinGen allele CA6403841.

ClinVar aggregate classification (germline): Uncertain significance. Review status: reviewed by expert panel (3 of 4 stars). 5 submissions from 5 submitters: Uncertain significance (1). 4 of the submissions do not count toward it. Last evaluated 2025-11-04.

Conditions:
Hereditary von Willebrand disease. Identifiers: Orphanet 903, MedGen C5703318, MONDO:0019565. Inheritance: Autosomal recessive or Autosomal dominant.

Allele frequency attached by ClinVar (database versions not stated): gnomAD exomes 0.00010 and 0.00027; ExAC 0.00030; 1000 Genomes Project 30x 0.00062; 1000 Genomes Project 0.00080; gnomAD 0.00115 and 0.00127; TOPMed 0.00149; ESP Exome Variant Server 0.00208.
gnomAD v4.1: 321 of 1,614,052 alleles (0.02%); highest among the groups gnomAD compares: African/African-American, 0.39%; no homozygotes.

Submissions (5):

ClinGen von Willebrand Disease Variant Curation Expert Panel, ClinGen
Classification: Uncertain significance for Hereditary von Willebrand disease. Last evaluated: 2025-11-04. Review status: reviewed by expert panel. Criteria: ClinGen VWD 2A B M Rules. Collection method: curation. Allele origin: germline.
Comment: The NM_000552.5:c.304G>A variant in VWF is a missense variant predicted to cause substitution of valine by methionine at amino acid 102. The computational predictor REVEL gives a score of 0.252, which is below the ClinGen VWD VCEP threshold of <0.290 and does not predict a damaging effect on VWF function (BP4). Additionally, the computational splicing predictor SpliceAI indicated that the variant has no impact on splicing. The population frequency of this variant is inconclusive of pathogenicity or benignity. There are three ClinVar submissions at the time of this variant classification but a disease assertion or affected status is not specified for any of the submitted cases. No instance of a case carrying this variant being affected by von Willebrand disease could be found in a literature search. In summary, this variant meets the criteria to be classified as a variant of uncertain significance for hereditary von Willebrand disease based on the ACMG/AMP criteria applied, as specified by the ClinGen VWD VCEP: BP4. (VWD VCEP specifications v1)

GeneDx
Classification: Uncertain significance. Last evaluated: 2026-09-12. Review status: criteria provided, single submitter. Criteria: GeneDx Variant Classification Process June 2021. Collection method: clinical testing. Allele origin: germline. Not counted in ClinVar's aggregate classification.
Comment: In silico analysis suggests that this missense variant does not alter protein structure/function; Has not been previously published as pathogenic or benign to our knowledge

Quest Diagnostics Nichols Institute San Juan Capistrano
Classification: Uncertain significance. Last evaluated: 2025-11-06. Review status: criteria provided, single submitter. Criteria: Quest Diagnostics criteria. Collection method: clinical testing. Allele origin: unknown. Not counted in ClinVar's aggregate classification.
Comment: The VWF c.304G>A (p.Val102Met) variant has not been reported in individuals with VWF-related conditions in the published literature. The frequency of this variant in the general population (Genome Aggregation Database) is uninformative in the assessment of its pathogenicity. Analysis of this variant using bioinformatics tools for the prediction of the effect of amino acid changes on protein structure and function yielded conflicting predictions that this variant is benign or damaging. Based on the available information, we are unable to determine the clinical significance of this variant.

Women's Health and Genetics/Laboratory Corporation of America, LabCorp
Classification: Uncertain significance. Last evaluated: 2025-07-23. Review status: criteria provided, single submitter. Criteria: LabCorp Variant Classification Summary - May 2015. Collection method: clinical testing. Allele origin: germline. Not counted in ClinVar's aggregate classification.
Comment: Variant summary: VWF c.304G>A (p.Val102Met) results in a conservative amino acid change located in the von Willebrand factor, type D domain (IPR001846) of the encoded protein sequence. Algorithms developed to predict the effect of missense changes on protein structure and function all suggest that this variant is likely to be tolerated. The variant allele was found at a frequency of 0.00027 in 251456 control chromosomes. This frequency is not significantly higher than estimated for a pathogenic variant in VWF causing Von Willebrand Disease, allowing no conclusion about variant significance. To our knowledge, no occurrence of c.304G>A in individuals affected with Von Willebrand Disease and no experimental evidence demonstrating its impact on protein function have been reported. ClinVar contains an entry for this variant (Variation ID: 1191879). Based on the evidence outlined above, the variant was classified as uncertain significance.

ARUP Laboratories, Molecular Genetics and Genomics, ARUP Laboratories
Classification: Uncertain significance. Last evaluated: 2023-11-21. Review status: criteria provided, single submitter. Criteria: ARUP Molecular Germline Variant Investigation Process 2024. Collection method: clinical testing. Allele origin: germline. Not counted in ClinVar's aggregate classification.
Comment: The VWF c.304G>A; p.Val102Met variant (rs147514785), to our knowledge, is not reported in the medical literature but is reported in ClinVar (Variation ID: 1191879). This variant is found in the African/African-American population with an allele frequency of 0.4%% (93/24,960 alleles) in the Genome Aggregation Database (v2.1.1). Computational analyses are uncertain whether this variant is neutral or deleterious (REVEL: 0.252). Due to limited information, the clinical significance of this variant is uncertain at this time.